The following is an entry in ClinVar:

NM_004187.5(KDM5C):c.1389C>G (p.Thr463=)

Gene: KDM5C (lysine demethylase 5C; minus strand). Cytogenetic location: Xp11.22.
Variant type: single nucleotide variant.
Coding change: c.1389C>G on transcript NM_004187.5 (MANE Select); coding-DNA position 1389, C replaced by G.
Protein change: p.Thr463=; no amino-acid change (threonine 463 retained).
Molecular consequence: synonymous variant. On other transcripts: non-coding transcript variant (3).
Genome position (GRCh38, 1-based): chrX:53,211,509, G>C on the plus strand (C>G on the coding strand, the complement: KDM5C is on the minus strand). VCF-style: chrX-53211509-G-C. GRCh37 (hg19) VCF-style: chrX-53240691-G-C.
Other names: c.1188C>G, p.Thr396= (NM_001146702.2); c.1386C>G, p.Thr462= (NM_001282622.3, NM_001353979.2, NM_001353982.2); c.1389C>G, p.Thr463= (NM_001353978.3, NM_001353981.2, NM_001353984.2).
Identifiers: ClinVar variation 4281314 (VCV004281314.7).

ClinVar aggregate classification (germline): Likely benign (1 of 4 stars; one submission).

gnomAD v4.1: 1 of 1,211,506 alleles (0.000083%); highest among the groups gnomAD compares: Non-Finnish European, 0.00011%; no homozygotes.

Submission:

CeGaT Center for Human Genetics Tuebingen
Classification: Likely benign. Last evaluated: 2025-09-01. Review status: criteria provided, single submitter. Criteria: CeGaT Center For Human Genetics Tuebingen Variant Classification Criteria Version 2. Collection method: clinical testing. Allele origin: germline. Affected: yes. Observed: 1 variant allele.
Comment: KDM5C: BP4, BP7